The following is an entry in ClinVar:

NM_020975.6(RET):c.2996C>T (p.Ala999Val)

Gene: RET (ret proto-oncogene; plus strand). Cytogenetic location: 10q11.21.
Variant type: single nucleotide variant.
Coding change: c.2996C>T on transcript NM_020975.6 (MANE Select); coding-DNA position 2996, C replaced by T.
Protein change: p.Ala999Val; replaces alanine 999 with valine.
Molecular consequence: missense variant.
Genome position (GRCh38, 1-based): chr10:43,124,939, C>T. VCF-style: chr10-43124939-C-T. GRCh37 (hg19) VCF-style: chr10-43620387-C-T.
Other names: c.2996C>T, p.Ala999Val (NM_000323.2, NM_001406743.1, NM_001406744.1 and 4 more transcripts); c.2234C>T, p.Ala745Val (NM_001355216.2); c.2867C>T, p.Ala956Val (NM_001406761.1, NM_001406762.1, NM_001406764.1); c.2861C>T, p.Ala954Val (NM_001406763.1, NM_001406765.1); c.2471C>T, p.Ala824Val (NM_001406774.1); c.2270C>T, p.Ala757Val (NM_001406775.1, NM_001406776.1, NM_001406777.1 and 1 more transcripts); c.2099C>T, p.Ala700Val (NM_001406779.1, NM_001406780.1, NM_001406781.1 and 1 more transcripts); c.2708C>T, p.Ala903Val (NM_001406766.1, NM_001406767.1, NM_001406770.1); and 10 more; short protein forms A999V, A745V, A516V, A669V, A867V, A954V, A604V, A700V.
Identifiers: ClinVar variation 543734 (VCV000543734.14), dbSNP rs748288493, ClinGen allele CA041903.

ClinVar aggregate classification (germline): Uncertain significance. Review status: criteria provided, multiple submitters, no conflicts (2 of 4 stars). 3 submissions from 3 submitters: Uncertain significance (3). Last evaluated 2026-01-26.

Conditions:
Hereditary cancer-predisposing syndrome. Also called: Neoplastic Syndromes, Hereditary; Hereditary Cancer Syndrome; Tumor predisposition; Hereditary neoplastic syndrome. Identifiers: Orphanet 140162, MedGen C0027672, MeSH D009386, MONDO:0015356.
Multiple endocrine neoplasia, type 2 (MEN2). Identifiers: Orphanet 653, MedGen C4048306, MONDO:0019003. Disease mechanism: gain of function.
Pheochromocytoma. Also called: MAX-Related Hereditary Paraganglioma-Pheochromocytoma Syndrome. Identifiers: Orphanet 29072, MedGen C0031511, MONDO:0008233, OMIM 171300, HP:0002666.
Familial medullary thyroid carcinoma (MTC). Also called: Thyroid cancer, familial medullary; MTC, familial; Familial Medullary Thyroid Carcinoma (FMTC). Identifiers: Orphanet 653, Orphanet 99361, MedGen C1833921, MONDO:0007958, OMIM 155240.
Multiple endocrine neoplasia type 2B. Also called: Multiple endocrine neoplasia, type 3; MULTIPLE ENDOCRINE NEOPLASIA, TYPE IIB; MUCOSAL NEUROMA SYNDROME; MEN 2B; Multiple Endocrine Neoplasia Type 2B (MEN2B); MEN IIB. Identifiers: Orphanet 247709, Orphanet 653, MedGen C0025269, MeSH D018814, MONDO:0008082, OMIM 162300.
Multiple endocrine neoplasia type 2A. Also called: MULTIPLE ENDOCRINE NEOPLASIA, TYPE IIA; PTC SYNDROME; SIPPLE SYNDROME; MEN 2A; MEN-2A syndrome; Pheochromocytoma and amyloid producing medullary thyroid carcinoma. Identifiers: Orphanet 247698, Orphanet 653, MedGen C0025268, MeSH D018813, MONDO:0008234, OMIM 171400.
Hirschsprung disease, susceptibility to, 1 (HSCR1). Also called: RET-Related Hirschsprung Disease. Identifiers: Orphanet 388, MedGen C3888239, MONDO:0007723, OMIM 142623.

Allele frequency attached by ClinVar (database versions not stated): gnomAD 0.00001; gnomAD exomes 0.00001; TOPMed 0.00001; ExAC 0.00002.
gnomAD v4.1: 25 of 1,614,060 alleles (0.0015%); highest among the groups gnomAD compares: African/African-American, 0.0067%; no homozygotes.

Submissions (3):

Labcorp Genetics (formerly Invitae), Labcorp
Classification: Uncertain significance for Multiple endocrine neoplasia, type 2. Last evaluated: 2026-01-26. Review status: criteria provided, single submitter. Criteria: Invitae Variant Classification Sherloc (09022015). Collection method: clinical testing. Allele origin: germline.
Comment: This sequence change replaces alanine, which is neutral and non-polar, with valine, which is neutral and non-polar, at codon 999 of the RET protein (p.Ala999Val). This variant is present in population databases (rs748288493, gnomAD 0.002%). This missense change has been observed in individual(s) with RET-related conditions (PMID: 37937776). ClinVar contains an entry for this variant (Variation ID: 543734). An algorithm developed to predict the effect of missense changes on protein structure and function (PolyPhen-2) suggests that this variant is likely to be tolerated. In summary, the available evidence is currently insufficient to determine the role of this variant in disease. Therefore, it has been classified as a Variant of Uncertain Significance.

Ambry Genetics
Classification: Uncertain significance for Hereditary cancer-predisposing syndrome. Last evaluated: 2024-08-23. Review status: criteria provided, single submitter. Criteria: Ambry Variant Classification Scheme 2023. Collection method: clinical testing. Allele origin: germline.
Comment: The p.A999V variant (also known as c.2996C>T), located in coding exon 18 of the RET gene, results from a C to T substitution at nucleotide position 2996. The alanine at codon 999 is replaced by valine, an amino acid with similar properties. This amino acid position is not well conserved in available vertebrate species. In addition, this alteration is predicted to be tolerated by in silico analysis. Since supporting evidence is limited at this time, the clinical significance of this alteration remains unclear.

Fulgent Genetics
Classification: Uncertain significance for Hirschsprung disease, susceptibility to, 1; Familial medullary thyroid carcinoma; Multiple endocrine neoplasia type 2B; Pheochromocytoma; Multiple endocrine neoplasia type 2A. Last evaluated: 2022-01-05. Review status: criteria provided, single submitter. Criteria: ACMG Guidelines, 2015. Collection method: clinical testing. Allele origin: unknown.

Literature cited by the submitters: PubMed 37937776 (cited by Labcorp Genetics (formerly Invitae), Labcorp).